The following is an entry in ClinVar:

ClinVar aggregate classification (germline): Likely pathogenic (1 of 4 stars; one submission).

Conditions:
X-linked Alport syndrome (ATS1). Also called: COL4A5-Related Nephropathy; NEPHROPATHY AND DEAFNESS, X-LINKED. Identifiers: Orphanet 63, Orphanet 88917, MedGen C4746986, MONDO:0010520, OMIM 301050.

Submission:

Myriad Genetics, Inc.
Classification: Likely pathogenic for X-linked Alport syndrome. Last evaluated: 2022-03-30. Review status: criteria provided, single submitter. Criteria: Myriad Women's Health Autosomal Recessive and X-Linked Classification Criteria (2021). Collection method: clinical testing. Allele origin: unknown.
Comment: NM_000495.4(COL4A5):c.4489delA(R1497Efs*51) is expected to be pathogenic in the context of X-linked Alport syndrome. This variant is predicted to lead to an abnormal or absent protein product due to the creation of a premature termination codon in COL4A5, a gene where loss-of-function variants are known to be pathogenic. Please note: this variant was assessed in the context of healthy population screening.

NM_033380.3(COL4A5):c.4507del (p.Arg1503fs)

Gene: COL4A5 (collagen type IV alpha 5 chain; plus strand). Cytogenetic location: Xq22.3.
Variant type: Deletion.
Coding change: c.4507del on transcript NM_033380.3 (MANE Select); coding-DNA position 4507, one base deleted (A; older notation c.4507delA).
Protein change: p.Arg1503fs; shifts the reading frame from arginine 1503.
Molecular consequence: frameshift variant.
Genome position (GRCh38, 1-based): chrX:108,687,673, A deleted; the last of 4 consecutive A bases (chrX:108,687,670-108,687,673); deleting any one gives the same sequence. VCF-style (leftmost placement, unchanged base first): chrX-108687669-TA-T. GRCh37 (hg19) VCF-style: chrX-107930899-TA-T.
Other names: c.4489del, p.Arg1497fs (NM_000495.5); short protein forms R1497fs, R1503fs.
Identifiers: ClinVar variation 1725609 (VCV001725609.2), dbSNP rs1603323412, ClinGen allele CA2580100177.